The following is an entry in ClinVar:

NM_001283009.2(RTEL1):c.1852A>G (p.Thr618Ala)

Genes: RTEL1 (regulator of telomere elongation helicase 1; plus strand), RTEL1-TNFRSF6B (RTEL1-TNFRSF6B readthrough (NMD candidate); plus strand). Cytogenetic location: 20q13.33.
Variant type: single nucleotide variant.
Coding change: c.1852A>G on transcript NM_001283009.2 (MANE Select); coding-DNA position 1852, A replaced by G.
Protein change: p.Thr618Ala; replaces threonine 618 with alanine.
Molecular consequence: missense variant. On other transcripts: non-coding transcript variant (1).
Genome position (GRCh38, 1-based): chr20:63,689,106, A>G. VCF-style: chr20-63689106-A-G. GRCh37 (hg19) VCF-style: chr20-62320459-A-G.
Other names: c.1183A>G, p.Thr395Ala (NM_001283010.1); c.1852A>G, p.Thr618Ala (NM_016434.4); c.1924A>G, p.Thr642Ala (NM_032957.5); c.1924A>G (NM_032957.4); short protein forms T395A, T642A, T618A.
Identifiers: ClinVar variation 3791159 (VCV003791159.3).

ClinVar aggregate classification (germline): Uncertain significance. Review status: criteria provided, multiple submitters, no conflicts (2 of 4 stars). 3 submissions from 3 submitters: Uncertain significance (2). 1 of the submissions does not count toward it. Last evaluated 2025-03-05.

Conditions:
Pulmonary fibrosis and/or bone marrow failure, Telomere-related, 3. Also called: PULMONARY FIBROSIS AND/OR BONE MARROW FAILURE SYNDROME, TELOMERE-RELATED, 3. Identifiers: Orphanet 2032, MedGen C4225346, MONDO:0014613, OMIM 616373.
Dyskeratosis congenita, autosomal recessive 5 (DKCB5). Identifiers: MedGen C3554656, MONDO:0014076, OMIM 615190.
Inborn genetic diseases. Identifiers: MedGen C0950123, MeSH D030342.
Dyskeratosis congenita. Identifiers: Orphanet 1775, MedGen C0265965, MONDO:0015780.

gnomAD v4.1: 9 of 1,609,970 alleles (0.00056%); highest among the groups gnomAD compares: African/African-American, 0.0013%; no homozygotes.

Submissions (3):

Labcorp Genetics (formerly Invitae), Labcorp
Classification: Uncertain significance for Dyskeratosis congenita, autosomal recessive 5; Pulmonary fibrosis and/or bone marrow failure, Telomere-related, 3. Last evaluated: 2025-03-05. Review status: criteria provided, single submitter. Criteria: Invitae Variant Classification Sherloc (09022015). Collection method: clinical testing. Allele origin: germline.
Comment: This sequence change replaces threonine, which is neutral and polar, with alanine, which is neutral and non-polar, at codon 618 of the RTEL1 protein (p.Thr618Ala). This variant is not present in population databases (gnomAD no frequency). This variant has not been reported in the literature in individuals affected with RTEL1-related conditions. An algorithm developed to predict the effect of missense changes on protein structure and function outputs the following: PolyPhen-2: "Benign". The alanine amino acid residue is found in multiple mammalian species, which suggests that this missense change does not adversely affect protein function. In summary, the available evidence is currently insufficient to determine the role of this variant in disease. Therefore, it has been classified as a Variant of Uncertain Significance.

Ambry Genetics
Classification: Uncertain significance for Inborn genetic diseases. Last evaluated: 2025-02-17. Review status: criteria provided, single submitter. Criteria: Ambry Variant Classification Scheme 2023. Collection method: clinical testing. Allele origin: germline.
Comment: The p.T618A variant (also known as c.1852A>G), located in coding exon 21 of the RTEL1 gene, results from an A to G substitution at nucleotide position 1852. The threonine at codon 618 is replaced by alanine, an amino acid with similar properties. This amino acid position is conserved. In addition, this alteration is predicted to be tolerated by in silico analysis. Based on the available evidence, the clinical significance of this variant remains unclear.

Natera, Inc.
Classification: Uncertain significance for Dyskeratosis congenita. Last evaluated: 2025-02-17. Review status: no assertion criteria provided. Collection method: clinical testing. Allele origin: germline. Not counted in ClinVar's aggregate classification.